The following is an entry in ClinVar:

NM_006949.4(STXBP2):c.1719G>A (p.Pro573=)

Gene: STXBP2 (syntaxin binding protein 2; plus strand). Cytogenetic location: 19p13.2.
Variant type: single nucleotide variant.
Coding change: c.1719G>A on transcript NM_006949.4 (MANE Select); coding-DNA position 1719, G replaced by A.
Protein change: p.Pro573=; no amino-acid change (proline 573 retained).
Molecular consequence: synonymous variant. On other transcripts: non-coding transcript variant (1).
Genome position (GRCh38, 1-based): chr19:7,647,747, G>A. VCF-style: chr19-7647747-G-A. GRCh37 (hg19) VCF-style: chr19-7712633-G-A.
Other names: c.1710G>A, p.Pro570= (NM_001127396.3); c.1752G>A, p.Pro584= (NM_001272034.2); c.1719G>A (NM_006949.3).
Identifiers: ClinVar variation 1156653 (VCV001156653.10), dbSNP rs377263310, ClinGen allele CA9144323.

ClinVar aggregate classification (germline): Likely benign. Review status: criteria provided, multiple submitters, no conflicts (2 of 4 stars). 2 submissions from 2 submitters: Likely benign (2). Last evaluated 2026-08-20.

Conditions:
STXBP2-related disorder. Also called: STXBP2-related condition.
Familial hemophagocytic lymphohistiocytosis 5. Also called: STXBP2-Related Familial Hemophagocytic Lymphohistiocytosis (STXBP2-fHLH). Identifiers: Orphanet 540, MedGen C2751293, MONDO:0013135, OMIM 613101.

Allele frequency attached by ClinVar (database versions not stated): gnomAD exomes 0.00002; gnomAD 0.00004 and 0.00005; ESP Exome Variant Server 0.00008; ExAC 0.00002.

Submissions (2):

PreventionGenetics, part of Exact Sciences
Classification: Likely benign for STXBP2-related condition. Last evaluated: 2026-08-20. Review status: criteria provided, single submitter. Criteria: ACMG Guidelines, 2015. Collection method: clinical testing. Allele origin: germline.
Comment: This variant is classified as likely benign based on ACMG/AMP sequence variant interpretation guidelines (Richards et al. 2015 PMID: 25741868, with internal and published modifications).

Labcorp Genetics (formerly Invitae), Labcorp
Classification: Likely benign for Familial hemophagocytic lymphohistiocytosis 5. Last evaluated: 2025-10-31. Review status: criteria provided, single submitter. Criteria: Invitae Variant Classification Sherloc (09022015). Collection method: clinical testing. Allele origin: germline.